The following is an entry in ClinVar:

ClinVar aggregate classification (germline): Uncertain significance (1 of 4 stars; one submission).

gnomAD v4.1: 1 of 1,614,156 alleles (0.000062%); highest among the groups gnomAD compares: Non-Finnish European, 0.000085%; no homozygotes.

Submission:

Mayo Clinic Laboratories, Mayo Clinic
Classification: Uncertain significance. Last evaluated: 2025-08-06. Review status: criteria provided, single submitter. Criteria: ACMG Guidelines, 2015. Collection method: clinical testing. Allele origin: germline. Observed: 1 variant allele.
Comment: BP4_moderate, PM2_supporting

NM_000204.5(CFI):c.428G>A (p.Ser143Asn)

Gene: CFI (complement factor I; minus strand). Cytogenetic location: 4q25.
Variant type: single nucleotide variant.
Coding change: c.428G>A on transcript NM_000204.5 (MANE Select); coding-DNA position 428, G replaced by A.
Protein change: p.Ser143Asn; replaces serine 143 with asparagine.
Molecular consequence: missense variant. On other transcripts: non-coding transcript variant (3), intron variant (1).
Genome position (GRCh38, 1-based): chr4:109,764,591, C>T on the plus strand (G>A on the coding strand, the complement: CFI is on the minus strand). VCF-style: chr4-109764591-C-T. GRCh37 (hg19) VCF-style: chr4-110685747-C-T.
Other names: p.Ser143Asn; c.428G>A, p.Ser143Asn (NM_001318057.2, NM_001331035.2, NM_001375278.1 and 10 more transcripts); c.-127-2899G>A (NM_001375284.1); short protein forms S143N.
Identifiers: ClinVar variation 4540992 (VCV004540992.1).